The following is an entry in ClinVar:

ClinVar aggregate classification (germline): Uncertain significance (1 of 4 stars; one submission).

Submission:

Mayo Clinic Laboratories, Mayo Clinic
Classification: Uncertain significance. Last evaluated: 2022-10-06. Review status: criteria provided, single submitter. Criteria: ACMG Guidelines, 2015. Collection method: clinical testing. Allele origin: germline. Observed: 1 variant allele.
Comment: BP4, PM2

NM_001966.4(EHHADH):c.1786C>G (p.Leu596Val)

Gene: EHHADH (enoyl-CoA hydratase and 3-hydroxyacyl CoA dehydrogenase; minus strand). Cytogenetic location: 3q27.2.
Variant type: single nucleotide variant.
Coding change: c.1786C>G on transcript NM_001966.4 (MANE Select); coding-DNA position 1786, C replaced by G.
Protein change: p.Leu596Val; replaces leucine 596 with valine.
Molecular consequence: missense variant.
Genome position (GRCh38, 1-based): chr3:185,192,612, G>C on the plus strand (C>G on the coding strand, the complement: EHHADH is on the minus strand). VCF-style: chr3-185192612-G-C. GRCh37 (hg19) VCF-style: chr3-184910400-G-C.
Other names: p.Leu596Val; c.1498C>G, p.Leu500Val (NM_001166415.2); short protein forms L500V, L596V.
Identifiers: ClinVar variation 2682852 (VCV002682852.1), dbSNP rs2474820869, ClinGen allele CA355676017.
Genomic context (GRCh38, chr3:185,192,612, plus strand): 5'-GGCTAATGGTACGTGGTTCAATGTGATGGGTTTTTCTATACCGTGATAGGAATTTGGAAA[G>C]CCAGGGATCAGGTTTGTGAATCCTACCCAATGGCTTGTCATATTGATACCAACCCTTACC-3'
Protein context (NP_001957.2, residues 586-606): LGRIHKPDPW[Leu596Val]SKFLSRYRKT